The following is an entry in ClinVar:

ClinVar aggregate classification (germline): Uncertain significance. Review status: criteria provided, multiple submitters, no conflicts (2 of 4 stars). 2 submissions from 2 submitters: Uncertain significance (2). Last evaluated 2025-03-22.

Conditions:
Paget disease of bone 2, early-onset (PDB2). Also called: Paget disease of bone 2. Identifiers: MedGen C4085251, MONDO:0011183, OMIM 602080.
Frontotemporal dementia and/or amyotrophic lateral sclerosis 1 (FTDALS1). Also called: Frontotemporal dementia with motor neuron disease 1; C9orf72 Frontotemporal Dementia and/or Amyotrophic Lateral Sclerosis. Identifiers: Orphanet 275872, MedGen C5779877, MONDO:0007105, OMIM 105550.

Allele frequency attached by ClinVar (database versions not stated): gnomAD 0.00001; TOPMed 0.00003.
gnomAD v4.1: 2 of 1,613,980 alleles (0.00012%); highest among the groups gnomAD compares: African/African-American, 0.0027%; no homozygotes.

Submissions (2):

GeneDx
Classification: Uncertain significance. Last evaluated: 2025-03-22. Review status: criteria provided, single submitter. Criteria: GeneDx Variant Classification Process June 2021. Collection method: clinical testing. Allele origin: germline. Affected: yes.
Comment: Not observed at significant frequency in large population cohorts (gnomAD); In silico analysis supports that this missense variant has a deleterious effect on protein structure/function; Has not been previously published as pathogenic or benign to our knowledge

Labcorp Genetics (formerly Invitae), Labcorp
Classification: Uncertain significance for Paget disease of bone 2, early-onset; Frontotemporal dementia and/or amyotrophic lateral sclerosis 1. Last evaluated: 2020-02-15. Review status: criteria provided, single submitter. Criteria: Invitae Variant Classification Sherloc (09022015). Collection method: clinical testing. Allele origin: germline.
Comment: In summary, the available evidence is currently insufficient to determine the role of this variant in disease. Therefore, it has been classified as a Variant of Uncertain Significance. Algorithms developed to predict the effect of sequence changes on RNA splicing suggest that this variant may create or strengthen a splice site, but this prediction has not been confirmed by published transcriptional studies. This sequence change replaces aspartic acid with glycine at codon 92 of the SQSTM1 protein (p.Asp92Gly). The aspartic acid residue is moderately conserved and there is a moderate physicochemical difference between aspartic acid and glycine. This variant is not present in population databases (ExAC no frequency). This variant has not been reported in the literature in individuals with SQSTM1-related conditions. Algorithms developed to predict the effect of missense changes on protein structure and function are either unavailable or do not agree on the potential impact of this missense change (SIFT: "Tolerated"; PolyPhen-2: "Possibly Damaging"; Align-GVGD: "Class C0").

NM_003900.5(SQSTM1):c.275A>G (p.Asp92Gly)

Gene: SQSTM1 (sequestosome 1; plus strand). Cytogenetic location: 5q35.3.
Variant type: single nucleotide variant.
Coding change: c.275A>G on transcript NM_003900.5 (MANE Select); coding-DNA position 275, A replaced by G.
Protein change: p.Asp92Gly; replaces aspartic acid 92 with glycine.
Molecular consequence: missense variant.
Genome position (GRCh38, 1-based): chr5:179,823,027, A>G. VCF-style: chr5-179823027-A-G. GRCh37 (hg19) VCF-style: chr5-179250027-A-G.
Other names: c.23A>G, p.Asp8Gly (NM_001142298.2, NM_001142299.2); short protein forms D92G, D8G.
Identifiers: ClinVar variation 863720 (VCV000863720.10), dbSNP rs752438818, ClinGen allele CA362443182.